The following is an entry in ClinVar:

ClinVar aggregate classification (germline): Uncertain significance. Review status: criteria provided, single submitter (1 of 4 stars). 2 submissions from 2 submitters: Uncertain significance (1). 1 of the submissions does not count toward it. Last evaluated 2023-12-11.

Conditions:
RYR1-related disorder. Also called: RYR1-related disorders; RYR1-related condition. Identifiers: MedGen CN239331.
Central core myopathy (CMYO1A). Also called: CONGENITAL MYOPATHY 1A, AUTOSOMAL DOMINANT, WITH SUSCEPTIBILITY TO MALIGNANT HYPERTHERMIA; Central core disease; Myopathy, central fibrillar. Identifiers: Orphanet 597, MedGen C5830701, MONDO:0007294, OMIM 117000.

Submissions (2):

Labcorp Genetics (formerly Invitae), Labcorp
Classification: Uncertain significance for RYR1-related disorder. Last evaluated: 2023-12-11. Review status: criteria provided, single submitter. Criteria: Invitae Variant Classification Sherloc (09022015). Collection method: clinical testing. Allele origin: germline.
Comment: This sequence change replaces phenylalanine, which is neutral and non-polar, with leucine, which is neutral and non-polar, at codon 4922 of the RYR1 protein (p.Phe4922Leu). This variant is not present in population databases (gnomAD no frequency). This variant has not been reported in the literature in individuals affected with RYR1-related conditions. ClinVar contains an entry for this variant (Variation ID: 652469). Advanced modeling of protein sequence and biophysical properties (such as structural, functional, and spatial information, amino acid conservation, physicochemical variation, residue mobility, and thermodynamic stability) performed at Invitae indicates that this missense variant is expected to disrupt RYR1 protein function with a positive predictive value of 95%. In summary, the available evidence is currently insufficient to determine the role of this variant in disease. Therefore, it has been classified as a Variant of Uncertain Significance.

Undiagnosed Diseases Network, NIH
Classification: Likely pathogenic for Central core myopathy. Last evaluated: 2023-10-25. Review status: no assertion criteria provided. Collection method: clinical testing. Allele origin: de novo. Affected: yes. Observed: 1 variant allele, 1 heterozygote. Study: Undiagnosed Diseases Network (NIH), UDN. Not counted in ClinVar's aggregate classification.

NM_000540.3(RYR1):c.14766C>A (p.Phe4922Leu)

Gene: RYR1 (ryanodine receptor 1; plus strand). Cytogenetic location: 19q13.2.
Variant type: single nucleotide variant.
Coding change: c.14766C>A on transcript NM_000540.3 (MANE Select); coding-DNA position 14766, C replaced by A.
Protein change: p.Phe4922Leu; replaces phenylalanine 4922 with leucine.
Molecular consequence: missense variant.
Genome position (GRCh38, 1-based): chr19:38,585,062, C>A. VCF-style: chr19-38585062-C-A. GRCh37 (hg19) VCF-style: chr19-39075702-C-A.
Other names: p.F4922L; c.14751C>A, p.Phe4917Leu (NM_001042723.2); short protein forms F4917L, F4922L.
Identifiers: ClinVar variation 652469 (VCV000652469.10), dbSNP rs1599674487, ClinGen allele CA405690923.